The following is an entry in ClinVar:

NM_013275.6(ANKRD11):c.2505C>G (p.Asp835Glu)

Gene: ANKRD11 (ankyrin repeat domain 11; minus strand). Cytogenetic location: 16q24.3.
Variant type: single nucleotide variant.
Coding change: c.2505C>G on transcript NM_013275.6 (MANE Select); coding-DNA position 2505, C replaced by G.
Protein change: p.Asp835Glu; replaces aspartic acid 835 with glutamic acid.
Molecular consequence: missense variant.
Genome position (GRCh38, 1-based): chr16:89,284,037, G>C on the plus strand (C>G on the coding strand, the complement: ANKRD11 is on the minus strand). VCF-style: chr16-89284037-G-C. GRCh37 (hg19) VCF-style: chr16-89350445-G-C.
Other names: c.2505C>G, p.Asp835Glu (NM_001256182.2, NM_001256183.2); short protein forms D835E.
Identifiers: ClinVar variation 4845455 (VCV004845455.1).

ClinVar aggregate classification (germline): Uncertain significance (1 of 4 stars; one submission).

Submission:

Greenwood Genetic Center Diagnostic Laboratories, Greenwood Genetic Center
Classification: Uncertain significance. Last evaluated: 2025-11-12. Review status: criteria provided, single submitter. Criteria: ACMG Guidelines, 2015. Collection method: clinical testing. Allele origin: germline. Affected: yes.
Comment: PM2